The following is an entry in ClinVar:

ClinVar aggregate classification (germline): Uncertain significance (1 of 4 stars; one submission).

Allele frequency attached by ClinVar (database versions not stated): ExAC 0.00001; gnomAD exomes 0.00002.
gnomAD v4.1: 30 of 1,614,054 alleles (0.0019%); highest among the groups gnomAD compares: Non-Finnish European, 0.0025%; no homozygotes.

Submission:

Labcorp Genetics (formerly Invitae), Labcorp
Classification: Uncertain significance. Last evaluated: 2023-08-30. Review status: criteria provided, single submitter. Criteria: Invitae Variant Classification Sherloc (09022015). Collection method: clinical testing. Allele origin: germline.
Comment: In summary, the available evidence is currently insufficient to determine the role of this variant in disease. Therefore, it has been classified as a Variant of Uncertain Significance. An algorithm developed to predict the effect of missense changes on protein structure and function (PolyPhen-2) suggests that this variant is likely to be tolerated. ClinVar contains an entry for this variant (Variation ID: 1948925). This variant has not been reported in the literature in individuals affected with KAT6A-related conditions. This variant is present in population databases (rs772145793, gnomAD 0.002%). This sequence change replaces serine, which is neutral and polar, with arginine, which is basic and polar, at codon 966 of the KAT6A protein (p.Ser966Arg).

NM_006766.5(KAT6A):c.2898T>G (p.Ser966Arg)

Gene: KAT6A (lysine acetyltransferase 6A; minus strand). Cytogenetic location: 8p11.21.
Variant type: single nucleotide variant.
Coding change: c.2898T>G on transcript NM_006766.5 (MANE Select); coding-DNA position 2898, T replaced by G.
Protein change: p.Ser966Arg; replaces serine 966 with arginine.
Molecular consequence: missense variant.
Genome position (GRCh38, 1-based): chr8:41,940,983, A>C on the plus strand (T>G on the coding strand, the complement: KAT6A is on the minus strand). VCF-style: chr8-41940983-A-C. GRCh37 (hg19) VCF-style: chr8-41798501-A-C.
Other names: short protein forms S966R.
Identifiers: ClinVar variation 1948925 (VCV001948925.5), dbSNP rs772145793, ClinGen allele CA4729818.
Genomic context (GRCh38, chr8:41,940,983, plus strand): 5'-CTCACTGAAGCCCCTGAGGACAGCCCTGTCACCCTCACTGTAGCGACGGGGCAGCCTCTC[A>C]CTTCCTTCTGTTAATCTGCACTTCAGAGCCTCAGGGCTTTTCTTGAGCTGTCCTCGCCAG-3'
Protein context (NP_006757.2, residues 956-976): EALKCRLTEG[Ser966Arg]ERLPRRYSEG